The following is an entry in ClinVar:

NM_005560.6(LAMA5):c.4397G>T (p.Arg1466Leu)

Gene: LAMA5 (laminin subunit alpha 5; minus strand). Cytogenetic location: 20q13.33.
Variant type: single nucleotide variant.
Coding change: c.4397G>T on transcript NM_005560.6 (MANE Select); coding-DNA position 4397, G replaced by T.
Protein change: p.Arg1466Leu; replaces arginine 1466 with leucine.
Molecular consequence: missense variant.
Genome position (GRCh38, 1-based): chr20:62,328,894, C>A on the plus strand (G>T on the coding strand, the complement: LAMA5 is on the minus strand). VCF-style: chr20-62328894-C-A. GRCh37 (hg19) VCF-style: chr20-60903950-C-A.
Other names: short protein forms R1466L.
Identifiers: ClinVar variation 2290938 (VCV002290938.4), dbSNP rs146876753, ClinGen allele CA9942624.

ClinVar aggregate classification (germline): Uncertain significance. Review status: criteria provided, multiple submitters, no conflicts (2 of 4 stars). 2 submissions from 2 submitters: Uncertain significance (2). Last evaluated 2025-09-21.

Conditions:
Inborn genetic diseases. Identifiers: MedGen C0950123, MeSH D030342.

Allele frequency attached by ClinVar (database versions not stated): gnomAD 0.00007; TOPMed 0.00007; ESP Exome Variant Server 0.00015.
gnomAD v4.1: 137 of 1,611,756 alleles (0.0085%); highest among the groups gnomAD compares: Middle Eastern, 0.016%; no homozygotes.

Submissions (2):

Labcorp Genetics (formerly Invitae), Labcorp
Classification: Uncertain significance. Last evaluated: 2025-09-21. Review status: criteria provided, single submitter. Criteria: Invitae Variant Classification Sherloc (09022015). Collection method: clinical testing. Allele origin: germline.
Comment: This sequence change replaces arginine, which is basic and polar, with leucine, which is neutral and non-polar, at codon 1466 of the LAMA5 protein (p.Arg1466Leu). This variant is present in population databases (rs146876753, gnomAD 0.01%). This variant has not been reported in the literature in individuals affected with LAMA5-related conditions. ClinVar contains an entry for this variant (Variation ID: 2290938). An algorithm developed to predict the effect of missense changes on protein structure and function (PolyPhen-2) suggests that this variant is likely to be tolerated. In summary, the available evidence is currently insufficient to determine the role of this variant in disease. Therefore, it has been classified as a Variant of Uncertain Significance.

Ambry Genetics
Classification: Uncertain significance for Inborn genetic diseases. Last evaluated: 2025-06-09. Review status: criteria provided, single submitter. Criteria: Ambry Variant Classification Scheme 2023. Collection method: clinical testing. Allele origin: germline.